The following is an entry in ClinVar:

ClinVar aggregate classification (germline): Pathogenic. Review status: criteria provided, multiple submitters, no conflicts (2 of 4 stars). 4 submissions from 4 submitters: Pathogenic (3). 1 of the submissions does not count toward it. Last evaluated 2024-03-14.

Conditions:
Microcephaly 3, primary, autosomal recessive. Identifiers: Orphanet 2512, MedGen C1858108, MONDO:0011488, OMIM 604804.

Allele frequency attached by ClinVar (database versions not stated): ExAC 0.00001; gnomAD exomes 0.00001; gnomAD 0.00004; TOPMed 0.00004; ESP Exome Variant Server 0.00008.
gnomAD v4.1: 21 of 1,614,010 alleles (0.0013%); highest among the groups gnomAD compares: Non-Finnish European, 0.0017%; no homozygotes.

Submissions (4):

Genomic Medicine Center of Excellence, King Faisal Specialist Hospital and Research Centre
Classification: Pathogenic for Microcephaly 3, primary, autosomal recessive. Last evaluated: 2024-03-14. Review status: criteria provided, single submitter. Criteria: ACMG Guidelines, 2015. Collection method: research. Allele origin: germline.

Genetics and Genomic Medicine Centre, NeuroGen Healthcare, NeuroGen Healthcare
Classification: Pathogenic for Microcephaly 3, primary, autosomal recessive. Last evaluated: 2021-09-23. Review status: criteria provided, single submitter. Criteria: Submitter's publication. Collection method: clinical testing. Allele origin: unknown. Affected: no.

Baylor Genetics
Classification: Pathogenic for Microcephaly 3, primary, autosomal recessive. Last evaluated: 2020-06-03. Review status: criteria provided, single submitter. Criteria: ACMG Guidelines, 2015. Collection method: clinical testing. Allele origin: unknown. Affected: yes.
Comment: This variant was determined to be pathogenic according to ACMG Guidelines, 2015 [PMID:25741868].

OMIM
Classification: Pathogenic for MICROCEPHALY 3, PRIMARY, AUTOSOMAL RECESSIVE. Last evaluated: 2013-09-19. Review status: no assertion criteria provided. Collection method: literature only. Allele origin: germline. Not counted in ClinVar's aggregate classification.

Literature cited by the submitters: PubMed 23995685 (cited by OMIM).

NM_018249.6(CDK5RAP2):c.4672C>T (p.Arg1558Ter)

Gene: CDK5RAP2 (CDK5 regulatory subunit associated protein 2; minus strand). Cytogenetic location: 9q33.2.
Variant type: single nucleotide variant.
Coding change: c.4672C>T on transcript NM_018249.6 (MANE Select); coding-DNA position 4672, C replaced by T.
Protein change: p.Arg1558Ter; replaces arginine 1558 with a stop codon.
Molecular consequence: nonsense. On other transcripts: non-coding transcript variant (5).
Genome position (GRCh38, 1-based): chr9:120,408,401, G>A on the plus strand (C>T on the coding strand, the complement: CDK5RAP2 is on the minus strand). VCF-style: chr9-120408401-G-A. GRCh37 (hg19) VCF-style: chr9-123170679-G-A.
Other names: c.4672C>T, p.Arg1558Ter (NM_001011649.3); c.3982C>T, p.Arg1328Ter (NM_001272039.2); c.3982C>T (NM_001272039.1); short protein forms R1558*, R1328*.
Identifiers: ClinVar variation 91407 (VCV000091407.6), dbSNP rs373278668, ClinGen allele CA266230.
Genomic context (GRCh38, chr9:120,408,401, plus strand): 5'-CAGTACCTCTCAGTCTCCTGTGCTCTTCATCCAGCTTCTCATACGCCTTCAGCTCCACTC[G>A]GAGAGACTGCAATAGCTTGTCATTCTGTGAGAGCAGCTGCTGCCTCAACTTCACCTCCTC-3'